The following is an entry in ClinVar:

NM_001231.5(CASQ1):c.112C>T (p.Leu38=)

Gene: CASQ1 (calsequestrin 1; plus strand). Cytogenetic location: 1q23.2.
Variant type: single nucleotide variant.
Coding change: c.112C>T on transcript NM_001231.5 (MANE Select); coding-DNA position 112, C replaced by T.
Protein change: p.Leu38=; no amino-acid change (leucine 38 retained).
Molecular consequence: synonymous variant.
Genome position (GRCh38, 1-based): chr1:160,190,863, C>T. VCF-style: chr1-160190863-C-T. GRCh37 (hg19) VCF-style: chr1-160160653-C-T.
Identifiers: ClinVar variation 1568045 (VCV001568045.26), dbSNP rs374611267, ClinGen allele CA1196073.
Genomic context (GRCh38, chr1:160,190,863, plus strand): 5'-GCACTGCTGTTGCTGCTGGTGCTAGGGACACCCAAGTCAGGGGTACAGGGGCAGGAAGGG[C>T]TGGACTTCCCTGAGTACGATGGTGTGGACCGTGTGATCAATGTCAATGCAAAGAACTACA-3'
Protein context (NP_001222.3, residues 28-48): PKSGVQGQEG[Leu38=]DFPEYDGVDR

ClinVar aggregate classification (germline): Likely benign. Review status: criteria provided, multiple submitters, no conflicts (2 of 4 stars). 2 submissions from 2 submitters: Likely benign (2). Last evaluated 2025-09-15.

Allele frequency attached by ClinVar (database versions not stated): TOPMed 0.00005; ESP Exome Variant Server 0.00008; gnomAD exomes 0.00008 and 0.00009; ExAC 0.00009; gnomAD 0.00009.

Submissions (2):

Labcorp Genetics (formerly Invitae), Labcorp
Classification: Likely benign. Last evaluated: 2025-09-15. Review status: criteria provided, single submitter. Criteria: Invitae Variant Classification Sherloc (09022015). Collection method: clinical testing. Allele origin: germline.

CeGaT Center for Human Genetics Tuebingen
Classification: Likely benign. Last evaluated: 2024-06-01. Review status: criteria provided, single submitter. Criteria: CeGaT Center For Human Genetics Tuebingen Variant Classification Criteria Version 2. Collection method: clinical testing. Allele origin: germline. Affected: yes. Observed: 1 variant allele.
Comment: CASQ1: BP4, BP7